The following is an entry in ClinVar:

NM_199420.4(POLQ):c.5675T>A (p.Ile1892Asn)

Gene: POLQ (DNA polymerase theta; minus strand). Cytogenetic location: 3q13.33.
Variant type: single nucleotide variant.
Coding change: c.5675T>A on transcript NM_199420.4 (MANE Select); coding-DNA position 5675, T replaced by A.
Protein change: p.Ile1892Asn; replaces isoleucine 1892 with asparagine.
Molecular consequence: missense variant.
Genome position (GRCh38, 1-based): chr3:121,485,139, A>T on the plus strand (T>A on the coding strand, the complement: POLQ is on the minus strand). VCF-style: chr3-121485139-A-T. GRCh37 (hg19) VCF-style: chr3-121203986-A-T.
Other names: short protein forms I1892N.
Identifiers: ClinVar variation 3422545 (VCV003422545.1).
Genomic context (GRCh38, chr3:121,485,139, plus strand): 5'-GCATCCCTTCCACCCCAGCATACTGCCAGTCCAACCACCAAGGTGTCATCACAACCTTTA[A>T]TGGGAAATCCATCATCTCTAATAGGAATTTCCTGAGGTGAGCTAGCTAAGTAAAACAAAA-3'
Protein context (NP_955452.3, residues 1882-1902): EIPIRDDGFP[Ile1892Asn]KGCDDTLVVG

ClinVar aggregate classification (germline): Uncertain significance (1 of 4 stars; one submission).

Submission:

Ambry Genetics
Classification: Uncertain significance. Last evaluated: 2024-09-15. Review status: criteria provided, single submitter. Criteria: Ambry Variant Classification Scheme 2023. Collection method: clinical testing. Allele origin: germline.
Comment: The p.I1892N variant (also known as c.5675T>A), located in coding exon 17 of the POLQ gene, results from a T to A substitution at nucleotide position 5675. The isoleucine at codon 1892 is replaced by asparagine, an amino acid with dissimilar properties. This amino acid position is conserved. In addition, this alteration is predicted to be tolerated by in silico analysis. Based on the available evidence, the clinical significance of this variant remains unclear.